The following is an entry in ClinVar:

ClinVar aggregate classification (germline): Uncertain significance (1 of 4 stars; one submission).

Submission:

GeneDx
Classification: Uncertain significance. Last evaluated: 2025-01-24. Review status: criteria provided, single submitter. Criteria: GeneDx Variant Classification Process June 2021. Collection method: clinical testing. Allele origin: germline. Affected: yes.
Comment: In silico analysis indicates that this missense variant does not alter protein structure/function; Has not been previously published as pathogenic or benign to our knowledge

NM_001374828.1(ARID1B):c.1567T>C (p.Tyr523His)

Gene: ARID1B (AT-rich interaction domain 1B; plus strand). Cytogenetic location: 6q25.3.
Variant type: single nucleotide variant.
Coding change: c.1567T>C on transcript NM_001374828.1 (MANE Select); coding-DNA position 1567, T replaced by C.
Protein change: p.Tyr523His; replaces tyrosine 523 with histidine.
Molecular consequence: missense variant.
Genome position (GRCh38, 1-based): chr6:156,779,247, T>C. VCF-style: chr6-156779247-T-C. GRCh37 (hg19) VCF-style: chr6-157100381-T-C.
Other names: c.1567T>C, p.Tyr523His (NM_001371656.1, NM_001374820.1, NM_017519.3); c.1318T>C (NM_020732.3); short protein forms Y523H.
Identifiers: ClinVar variation 4071857 (VCV004071857.1).
Genomic context (GRCh38, chr6:156,779,247, plus strand): 5'-AATCAGCTGCTCACCTCGCCCAGCCCCATGATGCGGAGCTACGGCGGCAGCTACCCCGAG[T>C]ACAGCAGCCCCAGCGCGCCGCCGCCGCCGCCGTCGCAGCCCCAGTCCCAGGCGGCGGCGG-3'
Protein context (NP_001361757.1, residues 513-533): MRSYGGSYPE[Tyr523His]SSPSAPPPPP